The following is an entry in ClinVar:

ClinVar aggregate classification (germline): Conflicting classifications of pathogenicity. Review status: criteria provided, conflicting classifications (1 of 4 stars). 5 submissions from 5 submitters: Uncertain significance (4); Likely benign (1). Last evaluated 2024-10-24.

Conditions:
Primary ciliary dyskinesia. Also called: Ciliary dyskinesia. Identifiers: Orphanet 244, MedGen C0008780, MONDO:0016575, HP:0012265.
Primary ciliary dyskinesia 15. Also called: CILIARY DYSKINESIA, PRIMARY, 15, WITH OR WITHOUT SITUS INVERSUS. Identifiers: Orphanet 244, MedGen C3151137, MONDO:0013435, OMIM 613808.

Allele frequency attached by ClinVar (database versions not stated): ExAC 0.00016; gnomAD 0.00016; TOPMed 0.00025; ESP Exome Variant Server 0.00032.
gnomAD v4.1: 596 of 1,613,984 alleles (0.037%); highest among the groups gnomAD compares: Non-Finnish European, 0.047%; 1 homozygote.

Submissions (5):

Ambry Genetics
Classification: Uncertain significance for Primary ciliary dyskinesia. Last evaluated: 2024-10-24. Review status: criteria provided, single submitter. Criteria: Ambry Variant Classification Scheme 2023. Collection method: clinical testing. Allele origin: germline.
Comment: The p.N396I variant (also known as c.1187A>T), located in coding exon 8 of the CCDC40 gene, results from an A to T substitution at nucleotide position 1187. The asparagine at codon 396 is replaced by isoleucine, an amino acid with dissimilar properties. This amino acid position is poorly conserved in available vertebrate species. In addition, this alteration is predicted to be tolerated by in silico analysis. Since supporting evidence is limited at this time, the clinical significance of this alteration remains unclear.

CeGaT Center for Human Genetics Tuebingen
Classification: Likely benign. Last evaluated: 2023-02-01. Review status: criteria provided, single submitter. Criteria: CeGaT Center For Human Genetics Tuebingen Variant Classification Criteria Version 2. Collection method: clinical testing. Allele origin: germline. Affected: yes. Observed: 1 variant allele.
Comment: CCDC40: BP4

Labcorp Genetics (formerly Invitae), Labcorp
Classification: Uncertain significance for Primary ciliary dyskinesia. Last evaluated: 2022-07-12. Review status: criteria provided, single submitter. Criteria: Invitae Variant Classification Sherloc (09022015). Collection method: clinical testing. Allele origin: germline.
Comment: This sequence change replaces asparagine, which is neutral and polar, with isoleucine, which is neutral and non-polar, at codon 396 of the CCDC40 protein (p.Asn396Ile). This variant is present in population databases (rs200701665, gnomAD 0.03%). This variant has not been reported in the literature in individuals affected with CCDC40-related conditions. ClinVar contains an entry for this variant (Variation ID: 407773). Algorithms developed to predict the effect of missense changes on protein structure and function are either unavailable or do not agree on the potential impact of this missense change (SIFT: "Deleterious"; PolyPhen-2: "Possibly Damaging"; Align-GVGD: "Class C0"). In summary, the available evidence is currently insufficient to determine the role of this variant in disease. Therefore, it has been classified as a Variant of Uncertain Significance.

Genetics and Molecular Pathology, SA Pathology
Classification: Uncertain significance for Primary ciliary dyskinesia 15. Last evaluated: 2019-08-27. Review status: criteria provided, single submitter. Criteria: ACMG Guidelines, 2015. Collection method: clinical testing. Allele origin: germline. Inheritance: Autosomal recessive inheritance. Affected: yes.

Illumina Laboratory Services, Illumina
Classification: Uncertain significance for Primary ciliary dyskinesia 15. Last evaluated: 2018-01-12. Review status: criteria provided, single submitter. Criteria: ICSL Variant Classification Criteria 13 December 2019. Collection method: clinical testing. Allele origin: germline.

NM_017950.4(CCDC40):c.1187A>T (p.Asn396Ile)

Gene: CCDC40 (coiled-coil domain 40 molecular ruler complex subunit; plus strand). Cytogenetic location: 17q25.3.
Variant type: single nucleotide variant.
Coding change: c.1187A>T on transcript NM_017950.4 (MANE Select); coding-DNA position 1187, A replaced by T.
Protein change: p.Asn396Ile; replaces asparagine 396 with isoleucine.
Molecular consequence: missense variant.
Genome position (GRCh38, 1-based): chr17:80,058,521, A>T. VCF-style: chr17-80058521-A-T. GRCh37 (hg19) VCF-style: chr17-78032320-A-T.
Other names: c.1187A>T, p.Asn396Ile (NM_001243342.2, NM_001330508.2); short protein forms N396I.
Identifiers: ClinVar variation 407773 (VCV000407773.40), dbSNP rs200701665, ClinGen allele CA8813733.